The following is an entry in ClinVar:

ClinVar aggregate classification (germline): Uncertain significance (1 of 4 stars; one submission).

Conditions:
Hereditary cancer-predisposing syndrome. Also called: Tumor predisposition; Neoplastic Syndromes, Hereditary; Hereditary Cancer Syndrome; Hereditary neoplastic syndrome. Identifiers: Orphanet 140162, MedGen C0027672, MeSH D009386, MONDO:0015356.

Submission:

Ambry Genetics
Classification: Uncertain significance for Hereditary cancer-predisposing syndrome. Last evaluated: 2024-07-31. Review status: criteria provided, single submitter. Criteria: Ambry Variant Classification Scheme 2023. Collection method: clinical testing. Allele origin: germline.
Comment: The p.G511C variant (also known as c.1531G>T), located in coding exon 9 of the BRCA1 gene, results from a G to T substitution at nucleotide position 1531. The glycine at codon 511 is replaced by cysteine, an amino acid with highly dissimilar properties. This amino acid position is conserved. In addition, the in silico prediction for this alteration is inconclusive. Based on the available evidence, the clinical significance of this variant remains unclear.

NM_007294.4(BRCA1):c.1531G>T (p.Gly511Cys)

Gene: BRCA1 (BRCA1 DNA repair associated; minus strand). Cytogenetic location: 17q21.31.
Variant type: single nucleotide variant.
Coding change: c.1531G>T on transcript NM_007294.4 (MANE Select); coding-DNA position 1531, G replaced by T.
Protein change: p.Gly511Cys; replaces glycine 511 with cysteine.
Molecular consequence: missense variant. On other transcripts: intron variant (137).
Genome position (GRCh38, 1-based): chr17:43,094,000, C>A on the plus strand (G>T on the coding strand, the complement: BRCA1 is on the minus strand). VCF-style: chr17-43094000-C-A. GRCh37 (hg19) VCF-style: chr17-41246017-C-A.
Other names: c.1267G>T, p.Gly423Cys (NM_001407927.1, NM_001407928.1, NM_001407929.1 and 9 more transcripts); c.1453G>T, p.Gly485Cys (NM_001407655.1, NM_001407656.1, NM_001407657.1 and 4 more transcripts); c.1264G>T, p.Gly422Cys (NM_001407930.1, NM_001407931.1, NM_001407932.1 and 2 more transcripts); c.1450G>T, p.Gly484Cys (NM_001407659.1, NM_001407660.1, NM_001407661.1 and 1 more transcripts); c.1390G>T, p.Gly464Cys (NM_001407850.1, NM_001407851.1, NM_001407852.1 and 29 more transcripts); c.1318G>T, p.Gly440Cys (NM_001407853.1, NM_001407894.1, NM_001407895.1 and 9 more transcripts); c.1531G>T, p.Gly511Cys (NM_001407854.1, NM_001407858.1, NM_001407859.1 and 30 more transcripts); c.1528G>T, p.Gly510Cys (NM_001407860.1, NM_001407861.1, NM_001407587.1 and 22 more transcripts); and 40 more; short protein forms G215C, G384C, G470C, G383C, G399C, G423C, G440C, G443C.
Identifiers: ClinVar variation 3481830 (VCV003481830.1).